The following is an entry in ClinVar:

NM_003070.5(SMARCA2):c.850_873del (p.Gly284_Pro291del)

Gene: SMARCA2 (SWI/SNF related BAF chromatin remodeling complex subunit ATPase 2; plus strand). Cytogenetic location: 9p24.3.
Variant type: Deletion.
Coding change: c.850_873del on transcript NM_003070.5 (MANE Select); coding-DNA positions 850 to 873, 24 bases deleted (GGCGGCCGGCCCTCGCCCGCGCCC).
Protein change: p.Gly284_Pro291del.
Molecular consequence: inframe deletion. On other transcripts: inframe indel (1).
Genome position (GRCh38, 1-based): chr9:2,047,288-2,047,311, GGCGGCCGGCCCTCGCCCGCGCCC deleted; deleting any 24 consecutive bases within chr9:2,047,278-2,047,311 gives the same sequence; the c. name uses the placement nearest the transcript's 3' end. VCF-style (leftmost placement, unchanged base first): chr9-2047277-TGCCCGCGCCCGGCGGCCGGCCCTC-T. GRCh37 (hg19) VCF-style: chr9-2047277-TGCCCGCGCCCGGCGGCCGGCCCTC-T.
Other names: c.850_873del24, p.Gly284_Pro291del (NM_001289396.2); c.850_873del, p.Gly284_Pro291del (NM_001289397.2, NM_139045.4).
Identifiers: ClinVar variation 1763657 (VCV001763657.5), dbSNP rs1297196554, ClinGen allele CA463707593.
Genomic context (GRCh38, chr9:2,047,277, plus strand): 5'-CTTGTCCCGCAGGCCCGGGGCCGGAGCTGAGCGGCCCGAGCACCCCGCAGAAGCTGCCGG[TGCCCGCGCCCGGCGGCCGGCCCTC>T]GCCCGCGCCCCCCGCAGCCGCGCAGCCGCCCGCGGCCGCAGTGCCCGGGCCCTCAGTGCC-3'

ClinVar aggregate classification (germline): Conflicting classifications of pathogenicity. Review status: criteria provided, conflicting classifications (1 of 4 stars). 2 submissions from 2 submitters: Uncertain significance (1); Likely benign (1). Last evaluated 2025-12-04.

Conditions:
Inborn genetic diseases. Identifiers: MedGen C0950123, MeSH D030342.

Submissions (2):

Ambry Genetics
Classification: Likely benign for Inborn genetic diseases. Last evaluated: 2025-12-04. Review status: criteria provided, single submitter. Criteria: Ambry Variant Classification Scheme 2023. Collection method: clinical testing. Allele origin: germline.

Labcorp Genetics (formerly Invitae), Labcorp
Classification: Uncertain significance. Last evaluated: 2024-02-02. Review status: criteria provided, single submitter. Criteria: Invitae Variant Classification Sherloc (09022015). Collection method: clinical testing. Allele origin: germline.
Comment: This variant, c.850_873del, results in the deletion of 8 amino acid(s) of the SMARCA2 protein (p.Gly284_Pro291del), but otherwise preserves the integrity of the reading frame. The frequency data for this variant in the population databases is considered unreliable, as metrics indicate poor data quality at this position in the gnomAD database. This variant has not been reported in the literature in individuals affected with SMARCA2-related conditions. ClinVar contains an entry for this variant (Variation ID: 1763657). Experimental studies and prediction algorithms are not available or were not evaluated, and the functional significance of this variant is currently unknown. In summary, the available evidence is currently insufficient to determine the role of this variant in disease. Therefore, it has been classified as a Variant of Uncertain Significance.